The following is an entry in ClinVar:

NM_000038.6(APC):c.423-3178T>C

Gene: APC (APC regulator of WNT signaling pathway; plus strand). Cytogenetic location: 5q22.2.
Variant type: single nucleotide variant.
Coding change: c.423-3178T>C on transcript NM_000038.6 (MANE Select); 3178 bases into the intron before coding-DNA position 423, T replaced by C.
Molecular consequence: intron variant.
Genome position (GRCh38, 1-based): chr5:112,772,451, T>C. VCF-style: chr5-112772451-T-C. GRCh37 (hg19) VCF-style: chr5-112108148-T-C.
Other names: c.423-3178T>C (NM_001354895.2, NM_001127510.3, NM_001354896.2 and 2 more transcripts); c.453-3178T>C (NM_001354897.2, NM_001354902.2, NM_001127511.3); c.348-3178T>C (NM_001354898.2, NM_001354904.2); c.-613-3178T>C (NM_001354906.2); c.246-3178T>C (NM_001354900.2, NM_001354901.2, NM_001354905.2).
Identifiers: ClinVar variation 82418 (VCV000082418.2), dbSNP rs77756384, ClinGen allele CA009281.

ClinVar aggregate classification (germline): other (0 of 4 stars; one submission).

Conditions:
Familial colorectal cancer. Identifiers: MedGen CN280943, MONDO:0023113. Disease mechanism: loss of function.

Allele frequency attached by ClinVar (database versions not stated): gnomAD 0.00001.
gnomAD v4.1: 1 of 151,184 alleles (0.00066%); highest among the groups gnomAD compares: African/African-American, 0.0024%; no homozygotes.

Submission:

Systems Biology Platform Zhejiang California International NanoSystems Institute
Classification: other for Familial colorectal cancer. Review status: no assertion criteria provided. Collection method: not provided. Allele origin: unknown.
ClinVar note: Converted during submission from cancer to other.